The following is an entry in ClinVar:

ClinVar aggregate classification (germline): Uncertain significance (1 of 4 stars; one submission).

Submission:

GeneDx
Classification: Uncertain significance. Last evaluated: 2024-03-29. Review status: criteria provided, single submitter. Criteria: GeneDx Variant Classification Process June 2021. Collection method: clinical testing. Allele origin: germline. Affected: yes.
Comment: Not observed at significant frequency in large population cohorts (gnomAD); In silico analysis supports that this missense variant has a deleterious effect on protein structure/function; Has not been previously published as pathogenic or benign to our knowledge

NM_001257291.2(SLC9A7):c.815A>G (p.Asn272Ser)

Gene: SLC9A7 (solute carrier family 9 member A7; minus strand). Cytogenetic location: Xp11.3.
Variant type: single nucleotide variant.
Coding change: c.815A>G on transcript NM_001257291.2 (MANE Select); coding-DNA position 815, A replaced by G.
Protein change: p.Asn272Ser; replaces asparagine 272 with serine.
Molecular consequence: missense variant.
Genome position (GRCh38, 1-based): chrX:46,662,622, T>C on the plus strand (A>G on the coding strand, the complement: SLC9A7 is on the minus strand). VCF-style: chrX-46662622-T-C. GRCh37 (hg19) VCF-style: chrX-46522057-T-C.
Other names: c.815A>G, p.Asn272Ser (NM_032591.3); short protein forms N272S.
Identifiers: ClinVar variation 3371805 (VCV003371805.1).
Genomic context (GRCh38, chrX:46,662,622, plus strand): 5'-TCATTTAGGACGCTCTCTCCAAAAAGAAGTGCGTAAAGATCCACGTCTGCATGCAATTCA[T>C]TAAATATCGCCAGCACAGTCACTGAAAAGTGAGCCGAAAGCACAGAAATTAGTTTTGGTT-3'
Protein context (NP_001244220.1, residues 262-282): TDPVTVLAIF[Asn272Ser]ELHADVDLYA